The following is an entry in ClinVar:

ClinVar aggregate classification (germline): Conflicting classifications of pathogenicity. Review status: criteria provided, conflicting classifications (1 of 4 stars). 9 submissions from 9 submitters: Uncertain significance (6); Likely benign (3). Last evaluated 2025-02-02.

Conditions:
Hereditary cancer. Identifiers: MedGen C1333600.
Fanconi anemia complementation group F. Also called: FANCF-Related Fanconi Anemia. Identifiers: Orphanet 84, MedGen C3469526, MONDO:0011325, OMIM 603467.
Fanconi anemia (FA). Also called: Fanconi's anemia. Identifiers: Orphanet 84, MedGen C0015625, MeSH D005199, MONDO:0019391.

Allele frequency attached by ClinVar (database versions not stated): ESP Exome Variant Server 0.00023; 1000 Genomes Project 30x 0.00031; gnomAD exomes 0.00038; 1000 Genomes Project 0.00040; ExAC 0.00044; gnomAD 0.00048; TOPMed 0.00050.

Submissions (9):

Labcorp Genetics (formerly Invitae), Labcorp
Classification: Uncertain significance for Fanconi anemia. Last evaluated: 2025-02-02. Review status: criteria provided, single submitter. Criteria: Invitae Variant Classification Sherloc (09022015). Collection method: clinical testing. Allele origin: germline.
Comment: This sequence change replaces alanine, which is neutral and non-polar, with serine, which is neutral and polar, at codon 81 of the FANCF protein (p.Ala81Ser). This variant is present in population databases (rs145057187, gnomAD 0.2%). This missense change has been observed in individual(s) with bone marrow failure and shortened telomeres (PMID: 30995915). ClinVar contains an entry for this variant (Variation ID: 241437). Invitae Evidence Modeling of protein sequence and biophysical properties (such as structural, functional, and spatial information, amino acid conservation, physicochemical variation, residue mobility, and thermodynamic stability) indicates that this missense variant is not expected to disrupt FANCF protein function with a negative predictive value of 80%. In summary, the available evidence is currently insufficient to determine the role of this variant in disease. Therefore, it has been classified as a Variant of Uncertain Significance.

Blueprint Genetics
Classification: Likely benign. Last evaluated: 2024-07-25. Review status: criteria provided, single submitter. Criteria: ACMG Guidelines, 2015. Collection method: clinical testing. Allele origin: germline.

Fulgent Genetics
Classification: Uncertain significance for Fanconi anemia complementation group F. Last evaluated: 2024-05-08. Review status: criteria provided, single submitter. Criteria: ACMG Guidelines, 2015. Collection method: clinical testing. Allele origin: germline.

CeGaT Center for Human Genetics Tuebingen
Classification: Likely benign. Last evaluated: 2024-03-01. Review status: criteria provided, single submitter. Criteria: CeGaT Center For Human Genetics Tuebingen Variant Classification Criteria Version 2. Collection method: clinical testing. Allele origin: germline. Affected: yes. Observed: 2 variant alleles.
Comment: FANCF: BP4, BS1

Mendelics
Classification: Likely benign for Hereditary cancer. Last evaluated: 2024-01-23. Review status: criteria provided, single submitter. Criteria: ACMG Guidelines, 2015. Collection method: clinical testing. Allele origin: unknown.

Center for Genomics, Ann and Robert H. Lurie Children's Hospital of Chicago
Classification: Uncertain significance for Fanconi anemia complementation group F. Last evaluated: 2022-12-21. Review status: criteria provided, single submitter. Criteria: ACMG Guidelines, 2015. Collection method: clinical testing. Allele origin: germline.
Comment: This variant has been reported in the literature in 1 individual with bone marrow failure (Arias-Salgado 2019 PMID: 30995915). This variant is present in the Genome Aggregation Database (Highest reported MAF: 0.2% [22/10350], including 1 homozygote), and in ClinVar (Variation ID: 241437). Evolutionary conservation and computational prediction tools strongly suggest that this variant may not impact the protein. In summary, data on this variant is insufficient for disease classification. Therefore, the clinical significance of this variant is uncertain.

Sema4
Classification: Uncertain significance for Fanconi anemia. Last evaluated: 2022-02-11. Review status: criteria provided, single submitter. Criteria: Sema4 Curation Guidelines. Collection method: curation. Allele origin: germline.
Comment: The FANCF c.241G>T (p.A81S) variant has been reported in at least 2 individuals with bone marrow failure or metastatic prostate cancer (PMID: 30995915, 28259476). It has been reported in a case-control study of breast cancer in 5/4807 cases and in 4/4782 controls (PMID: 34117267). It was observed in 97/281654 chromosomes, with 1 homozygote, in the large and broad cohorts of the Genome Aggregation Database (PMID: 32461654). This variant has been reported in ClinVar (Variation ID 241437). In silico tools suggest the impact of the variant on protein function is benign, though these predictions have not been confirmed by functional studies. The evidence is insufficient to meet ACMG/AMP criteria for classifying the variant as benign or pathogenic. Thus, the clinical significance of this variant is currently uncertain.

Genetic Services Laboratory, University of Chicago
Classification: Uncertain significance. Last evaluated: 2020-03-10. Review status: criteria provided, single submitter. Criteria: ACMG Guidelines, 2015. Collection method: clinical testing. Allele origin: germline. Affected: no.
Comment: DNA sequence analysis of the FANCF gene demonstrated a sequence change, c.241G>T, in exon 1 that results in an amino acid change, p.Ala81Ser. This sequence change has been described in the gnomAD database with a frequency of 0.21% in the Ashkenazi Jewish sub-population (dbSNP rs145057187). The p.Ala81Ser change has been identified in one individual with bone marrow failure (PMID: 30995915). The p.Ala81Ser change affects a poorly conserved amino acid residue located in a domain of the FANCF protein that is not known to be functional. The p.Ala81Ser substitution appears to be benign using several in-silico pathogenicity prediction tools (SIFT, PolyPhen2, Align GVGD, REVEL). Due to these contrasting evidences and the lack of functional studies, the clinical significance of the p.Ala81Ser change remains unknown at this time.

Illumina Laboratory Services, Illumina
Classification: Uncertain significance for Fanconi anemia complementation group F. Last evaluated: 2018-01-13. Review status: criteria provided, single submitter. Criteria: ICSL Variant Classification Criteria 13 December 2019. Collection method: clinical testing. Allele origin: germline.

Literature cited by the submitters: PubMed 30995915 (cited by Labcorp Genetics (formerly Invitae), Labcorp and Sema4); PubMed 28259476 (cited by Sema4); PubMed 34117267 (cited by Sema4).

NM_022725.4(FANCF):c.241G>T (p.Ala81Ser)

Gene: FANCF (FA complementation group F; minus strand). Cytogenetic location: 11p14.3.
Variant type: single nucleotide variant.
Coding change: c.241G>T on transcript NM_022725.4 (MANE Select); coding-DNA position 241, G replaced by T.
Protein change: p.Ala81Ser; replaces alanine 81 with serine.
Molecular consequence: missense variant.
Genome position (GRCh38, 1-based): chr11:22,625,570, C>A on the plus strand (G>T on the coding strand, the complement: FANCF is on the minus strand). VCF-style: chr11-22625570-C-A. GRCh37 (hg19) VCF-style: chr11-22647116-C-A.
Other names: short protein forms A81S.
Identifiers: ClinVar variation 241437 (VCV000241437.42), dbSNP rs145057187, ClinGen allele CA5924392.